The following is an entry in ClinVar:

ClinVar aggregate classification (germline): Likely benign (1 of 4 stars; one submission).

Conditions:
Dyskeratosis congenita. Identifiers: Orphanet 1775, MedGen C0265965, MONDO:0015780.

Allele frequency attached by ClinVar (database versions not stated): 1000 Genomes Project 0.00180; TOPMed 0.00272; 1000 Genomes Project 30x 0.00281.

Submission:

Illumina Laboratory Services, Illumina
Classification: Likely benign for Dyskeratosis congenita. Last evaluated: 2018-01-12. Review status: criteria provided, single submitter. Criteria: ICSL Variant Classification Criteria 13 December 2019. Collection method: clinical testing. Allele origin: germline.
Comment: This variant was observed in the ICSL laboratory as part of a predisposition screen in an ostensibly healthy population. It had not been previously curated by ICSL or reported in the Human Gene Mutation Database (HGMD: prior to June 1st, 2018), and was therefore a candidate for classification through an automated scoring system. Utilizing variant allele frequency, disease prevalence and penetrance estimates, and inheritance mode, an automated score was calculated to assess if this variant is too frequent to cause the disease. Based on the score and internal cut-off values, a variant classified as likely benign is not then subjected to further curation. The score for this variant resulted in a classification of likely benign for this disease.

NM_025099.6(CTC1):c.*1103C>A

Gene: CTC1 (CST telomere replication complex component 1; minus strand). Cytogenetic location: 17p13.1.
Variant type: single nucleotide variant.
Coding change: c.*1103C>A on transcript NM_025099.6 (MANE Select); 1103 bases downstream of the stop codon, C replaced by A.
Molecular consequence: 3 prime UTR variant. On other transcripts: non-coding transcript variant (1).
Genome position (GRCh38, 1-based): chr17:8,227,077, G>T on the plus strand (C>A on the coding strand, the complement: CTC1 is on the minus strand). VCF-style: chr17-8227077-G-T. GRCh37 (hg19) VCF-style: chr17-8130395-G-T.
Identifiers: ClinVar variation 888852 (VCV000888852.4), dbSNP rs75272219, ClinGen allele CA287528358.